The following is an entry in ClinVar:

ClinVar aggregate classification (germline): Benign. Review status: criteria provided, multiple submitters, no conflicts (2 of 4 stars). 13 submissions from 12 submitters: Benign (11). 2 of the submissions do not count toward it. Last evaluated 2026-02-04.

Conditions:
Congenital muscular dystrophy due to partial LAMA2 deficiency. Identifiers: MedGen C1842898.
Merosin deficient congenital muscular dystrophy (MDC1A). Also called: Congenital merosin-deficient muscular dystrophy 1A; Congenital Muscular Dystrophy Type 1A (MDC1A). Identifiers: Orphanet 258, MedGen C1263858, MONDO:0011925, OMIM 607855.
Muscular dystrophy, limb-girdle, autosomal recessive 23. Identifiers: Orphanet 565837, MedGen C4748327, MONDO:0029136, OMIM 618138.
LAMA2-related muscular dystrophy (LAMA2-RD). Also called: Laminin alpha 2-related dystrophy. Identifiers: MedGen C5679788, MONDO:0100228.

Allele frequency attached by ClinVar (database versions not stated): 1000 Genomes Project 30x 0.06886; 1000 Genomes Project 0.07069; TOPMed 0.08266; gnomAD 0.08370 and 0.08417; ESP Exome Variant Server 0.08496; gnomAD exomes 0.09848 and 0.10405.
gnomAD v4.1: 164,877 of 1,613,378 alleles (10%); highest among the groups gnomAD compares: East Asian, 17%; 9,220 homozygotes.

Submissions (13):

Labcorp Genetics (formerly Invitae), Labcorp
Classification: Benign for LAMA2-related muscular dystrophy. Last evaluated: 2026-02-04. Review status: criteria provided, single submitter. Criteria: Invitae Variant Classification Sherloc (09022015). Collection method: clinical testing. Allele origin: germline.

Blueprint Genetics
Classification: Benign. Last evaluated: 2024-11-26. Review status: criteria provided, single submitter. Criteria: ACMG Guidelines, 2015. Collection method: clinical testing. Allele origin: germline.

Genome-Nilou Lab
Classification: Benign for Merosin deficient congenital muscular dystrophy. Last evaluated: 2021-08-19. Review status: criteria provided, single submitter. Criteria: ACMG Guidelines, 2015. Collection method: clinical testing. Allele origin: germline. Affected: no.

Genome-Nilou Lab
Classification: Benign for Muscular dystrophy, limb-girdle, autosomal recessive 23. Last evaluated: 2021-08-19. Review status: criteria provided, single submitter. Criteria: ACMG Guidelines, 2015. Collection method: clinical testing. Allele origin: germline. Affected: no.

Mayo Clinic Laboratories, Mayo Clinic
Classification: Benign. Last evaluated: 2018-03-12. Review status: criteria provided, single submitter. Criteria: ACMG Guidelines, 2015. Collection method: clinical testing. Allele origin: germline. Observed: 592 variant alleles.

Illumina Laboratory Services, Illumina
Classification: Benign for Congenital muscular dystrophy due to partial LAMA2 deficiency. Last evaluated: 2018-01-13. Review status: criteria provided, single submitter. Criteria: ICSL Variant Classification Criteria 13 December 2019. Collection method: clinical testing. Allele origin: germline.
Comment: This variant was observed in the ICSL laboratory as part of a predisposition screen in an ostensibly healthy population. It had not been previously curated by ICSL or reported in the Human Gene Mutation Database (HGMD: prior to June 1st, 2018), and was therefore a candidate for classification through an automated scoring system. Utilizing variant allele frequency, disease prevalence and penetrance estimates, and inheritance mode, an automated score was calculated to assess if this variant is too frequent to cause the disease. Based on the score and internal cut-off values, a variant classified as benign is not then subjected to further curation. The score for this variant resulted in a classification of benign for this disease.

Athena Diagnostics
Classification: Benign for Merosin deficient congenital muscular dystrophy. Last evaluated: 2017-04-13. Review status: criteria provided, single submitter. Criteria: Athena Diagnostics Criteria. Collection method: clinical testing. Allele origin: germline.

GeneDx
Classification: Benign. Last evaluated: 2016-02-08. Review status: criteria provided, single submitter. Criteria: GeneDx Variant Classification (06012015). Collection method: clinical testing. Allele origin: germline. Affected: yes.
Comment: This variant is considered likely benign or benign based on one or more of the following criteria: it is a conservative change, it occurs at a poorly conserved position in the protein, it is predicted to be benign by multiple in silico algorithms, and/or has population frequency not consistent with disease.

Genetic Services Laboratory, University of Chicago
Classification: Benign for AllHighlyPenetrant. Last evaluated: 2013-08-15. Review status: criteria provided, single submitter. Criteria: ACMG Guidelines, 2007. Collection method: clinical testing. Allele origin: germline. Inheritance: Autosomal recessive inheritance.

Eurofins Ntd Llc (ga)
Classification: Benign. Last evaluated: 2012-09-20. Review status: criteria provided, single submitter. Criteria: EGL Classification Definitions 2015. Collection method: clinical testing. Allele origin: germline. Observed: 19 variant alleles, 9 heterozygotes, 10 homozygotes.

PreventionGenetics, part of Exact Sciences
Classification: Benign. Review status: criteria provided, single submitter. Criteria: ACMG Guidelines, 2015. Collection method: clinical testing. Allele origin: germline.

Clinical Genetics, Academic Medical Center
Classification: Benign. Review status: no assertion criteria provided. Collection method: clinical testing. Allele origin: germline. Affected: yes. Study: VKGL Data-share Consensus. Not counted in ClinVar's aggregate classification.

Joint Genome Diagnostic Labs from Nijmegen and Maastricht, Radboudumc and MUMC+
Classification: Benign. Review status: no assertion criteria provided. Collection method: clinical testing. Allele origin: germline. Affected: yes. Study: VKGL Data-share Consensus. Not counted in ClinVar's aggregate classification.

NM_000426.4(LAMA2):c.156C>T (p.Ile52=)

Gene: LAMA2 (laminin subunit alpha 2; plus strand). Cytogenetic location: 6q22.33.
Variant type: single nucleotide variant.
Coding change: c.156C>T on transcript NM_000426.4 (MANE Select); coding-DNA position 156, C replaced by T.
Protein change: p.Ile52=; no amino-acid change (isoleucine 52 retained).
Molecular consequence: synonymous variant.
Genome position (GRCh38, 1-based): chr6:129,049,961, C>T. VCF-style: chr6-129049961-C-T. GRCh37 (hg19) VCF-style: chr6-129371106-C-T.
Other names: p.Ile52=; c.156C>T, p.Ile52= (NM_001079823.2).
Identifiers: ClinVar variation 92938 (VCV000092938.30), dbSNP rs1140366, ClinGen allele CA146099.